The following is an entry in ClinVar:

NM_000548.5(TSC2):c.1843T>G (p.Phe615Val)

Gene: TSC2 (TSC complex subunit 2; plus strand). Cytogenetic location: 16p13.3.
Variant type: single nucleotide variant.
Coding change: c.1843T>G on transcript NM_000548.5 (MANE Select); coding-DNA position 1843, T replaced by G.
Protein change: p.Phe615Val; replaces phenylalanine 615 with valine.
Molecular consequence: missense variant.
Genome position (GRCh38, 1-based): chr16:2,071,513, T>G. VCF-style: chr16-2071513-T-G. GRCh37 (hg19) VCF-style: chr16-2121514-T-G.
Other names: c.1843T>G, p.Phe615Val (NM_001077183.3, NM_001114382.3, NM_001363528.2 and 3 more transcripts); c.1732T>G, p.Phe578Val (NM_001318827.2); c.1696T>G, p.Phe566Val (NM_001318829.2); c.1243T>G, p.Phe415Val (NM_001318831.2); c.1876T>G, p.Phe626Val (NM_001318832.2); short protein forms F415V, F615V, F566V, F578V, F626V.
Identifiers: ClinVar variation 887969 (VCV000887969.13), dbSNP rs1446136662, ClinGen allele CA394273033.
Genomic context (GRCh38, chr16:2,071,513, plus strand): 5'-GCCTGTCCTGGGCCTGCACGAGCTTGGCTCTGGCTTTCACCATCCTCTTCCTGACAGGCC[T>G]TTGACTTCCTGTTGCTGCTGCGGGCCGACTCACTGCACCGCCTGGGCCTGCCCAACAAGG-3'
Protein context (NP_000539.2, residues 605-625): PIASSIRLQA[Phe615Val]DFLLLLRADS

ClinVar aggregate classification (germline): Uncertain significance. Review status: criteria provided, multiple submitters, no conflicts (2 of 4 stars). 3 submissions from 3 submitters: Uncertain significance (3). Last evaluated 2026-07-08.

Conditions:
Tuberous sclerosis 2 (TSC2). Identifiers: Orphanet 805, MedGen C1860707, MONDO:0013199, OMIM 613254.
Hereditary cancer-predisposing syndrome. Also called: Tumor predisposition; Hereditary neoplastic syndrome; Neoplastic Syndromes, Hereditary; Hereditary Cancer Syndrome. Identifiers: Orphanet 140162, MedGen C0027672, MeSH D009386, MONDO:0015356.
Tuberous sclerosis syndrome (TSC). Also called: Tuberous Sclerosis Complex; Tuberous sclerosis. Identifiers: Orphanet 805, MedGen C0041341, MONDO:0001734.

Allele frequency attached by ClinVar (database versions not stated): TOPMed 0.00001.

Submissions (3):

Ambry Genetics
Classification: Uncertain significance for Hereditary cancer-predisposing syndrome. Last evaluated: 2026-07-08. Review status: criteria provided, single submitter. Criteria: Ambry Variant Classification Scheme 2023. Collection method: clinical testing. Allele origin: germline.
Comment: The p.F615V variant (also known as c.1843T>G), located in coding exon 17 of the TSC2 gene, results from a T to G substitution at nucleotide position 1843. The phenylalanine at codon 615 is replaced by valine, an amino acid with highly similar properties. This amino acid position is conserved. In addition, this alteration is predicted to be deleterious by in silico analysis. Based on the available evidence, the clinical significance of this variant remains unclear.

Labcorp Genetics (formerly Invitae), Labcorp
Classification: Uncertain significance for Tuberous sclerosis 2. Last evaluated: 2020-12-25. Review status: criteria provided, single submitter. Criteria: Invitae Variant Classification Sherloc (09022015). Collection method: clinical testing. Allele origin: germline.
Comment: In summary, the available evidence is currently insufficient to determine the role of this variant in disease. Therefore, it has been classified as a Variant of Uncertain Significance. Advanced modeling of protein sequence and biophysical properties (such as structural, functional, and spatial information, amino acid conservation, physicochemical variation, residue mobility, and thermodynamic stability) performed at Invitae indicates that this missense variant is expected to disrupt TSC2 protein function. This variant has not been reported in the literature in individuals with TSC2-related conditions. ClinVar contains an entry for this variant (Variation ID: 887969). This variant is not present in population databases (ExAC no frequency). This sequence change replaces phenylalanine with valine at codon 615 of the TSC2 protein (p.Phe615Val). The phenylalanine residue is highly conserved and there is a small physicochemical difference between phenylalanine and valine.

Illumina Laboratory Services, Illumina
Classification: Uncertain significance for Tuberous sclerosis syndrome. Last evaluated: 2018-01-13. Review status: criteria provided, single submitter. Criteria: ICSL Variant Classification Criteria 13 December 2019. Collection method: clinical testing. Allele origin: germline.